The following is an entry in ClinVar:

ClinVar aggregate classification (germline): Uncertain significance (1 of 4 stars; one submission).

Submission:

Labcorp Genetics (formerly Invitae), Labcorp
Classification: Uncertain significance. Last evaluated: 2022-07-06. Review status: criteria provided, single submitter. Criteria: Invitae Variant Classification Sherloc (09022015). Collection method: clinical testing. Allele origin: germline.
Comment: In summary, the available evidence is currently insufficient to determine the role of this variant in disease. Therefore, it has been classified as a Variant of Uncertain Significance. Algorithms developed to predict the effect of missense changes on protein structure and function are either unavailable or do not agree on the potential impact of this missense change (SIFT: "Tolerated"; PolyPhen-2: "Possibly Damaging"; Align-GVGD: "Class C0"). This variant has not been reported in the literature in individuals affected with TUBGCP6-related conditions. This variant is not present in population databases (gnomAD no frequency). This sequence change replaces valine, which is neutral and non-polar, with methionine, which is neutral and non-polar, at codon 93 of the TUBGCP6 protein (p.Val93Met).

NM_020461.4(TUBGCP6):c.277G>A (p.Val93Met)

Gene: TUBGCP6 (tubulin gamma complex component 6; minus strand). Cytogenetic location: 22q13.33.
Variant type: single nucleotide variant.
Coding change: c.277G>A on transcript NM_020461.4 (MANE Select); coding-DNA position 277, G replaced by A.
Protein change: p.Val93Met; replaces valine 93 with methionine.
Molecular consequence: missense variant.
Genome position (GRCh38, 1-based): chr22:50,244,183, C>T on the plus strand (G>A on the coding strand, the complement: TUBGCP6 is on the minus strand). VCF-style: chr22-50244183-C-T. GRCh37 (hg19) VCF-style: chr22-50682612-C-T.
Other names: short protein forms V93M.
Identifiers: ClinVar variation 2045332 (VCV002045332.4), dbSNP rs2519212987, ClinGen allele CA412116285.
Genomic context (GRCh38, chr22:50,244,183, plus strand): 5'-GGTCCAAAACAGACCCCACCTCCAAAAGCGGACAGCAAGGGGCTGCTTCCAGCTCCTCCA[C>T]AAGCTCCTCCAAACGGTCGGCCTTGGGGCCCAGGCCACCCACTCTCAAGTCAAAGGACAA-3'
Protein context (NP_065194.3, residues 83-103): GPKADRLEEL[Val93Met]EELEAAPCCP